The following is an entry in ClinVar:

NM_000784.4(CYP27A1):c.1028C>G (p.Thr343Arg)

Gene: CYP27A1 (cytochrome P450 family 27 subfamily A member 1; plus strand). Cytogenetic location: 2q35.
Variant type: single nucleotide variant.
Coding change: c.1028C>G on transcript NM_000784.4 (MANE Select); coding-DNA position 1028, C replaced by G.
Protein change: p.Thr343Arg; replaces threonine 343 with arginine.
Molecular consequence: missense variant.
Genome position (GRCh38, 1-based): chr2:218,814,031, C>G. VCF-style: chr2-218814031-C-G. GRCh37 (hg19) VCF-style: chr2-219678754-C-G.
Other names: short protein forms T343R.
Identifiers: ClinVar variation 554774 (VCV000554774.6), dbSNP rs372194079, ClinGen allele CA350591243.

ClinVar aggregate classification (germline): Uncertain significance. Review status: criteria provided, single submitter (1 of 4 stars). 2 submissions from 2 submitters: Uncertain significance (1). 1 of the submissions does not count toward it. Last evaluated 2022-03-29.

Conditions:
Cholestanol storage disease (CTX). Also called: Cerebrotendinous Xanthomatosis; CEREBRAL CHOLESTERINOSIS; CTX: Cerebrotendinous xanthomatosis. Identifiers: Orphanet 909, MedGen C0238052, MONDO:0008948, OMIM 213700.

gnomAD v4.1: 1 of 1,614,224 alleles (0.000062%); no homozygotes.

Submissions (2):

Labcorp Genetics (formerly Invitae), Labcorp
Classification: Uncertain significance for Cholestanol storage disease. Last evaluated: 2022-03-29. Review status: criteria provided, single submitter. Criteria: Invitae Variant Classification Sherloc (09022015). Collection method: clinical testing. Allele origin: germline.
Comment: This variant is not present in population databases (gnomAD no frequency). In summary, the available evidence is currently insufficient to determine the role of this variant in disease. Therefore, it has been classified as a Variant of Uncertain Significance. Algorithms developed to predict the effect of missense changes on protein structure and function are either unavailable or do not agree on the potential impact of this missense change (SIFT: "Deleterious"; PolyPhen-2: "Probably Damaging"; Align-GVGD: "Class C0"). ClinVar contains an entry for this variant (Variation ID: 554774). This missense change has been observed in individual(s) with cerebrotendinous xanthomatosis (PMID: 21645175). This sequence change replaces threonine, which is neutral and polar, with arginine, which is basic and polar, at codon 343 of the CYP27A1 protein (p.Thr343Arg).

Counsyl
Classification: Uncertain significance for Cholestanol storage disease. Last evaluated: 2017-11-14. Review status: no assertion criteria provided. Collection method: clinical testing. Allele origin: unknown. Not counted in ClinVar's aggregate classification.

Literature cited by the submitters: PubMed 21645175 (cited by Labcorp Genetics (formerly Invitae), Labcorp and Counsyl).